The following is an entry in ClinVar:

ClinVar aggregate classification (germline): Uncertain significance (1 of 4 stars; one submission).

Conditions:
Charcot-Marie-Tooth disease axonal type 2C (HMSN2C). Also called: CHARCOT-MARIE-TOOTH DISEASE, AXONAL, AUTOSOMAL DOMINANT, TYPE 2C; Charcot-Marie-Tooth Neuropathy Type 2C; Charcot-Marie-Tooth Disease Type 2, TRPV4-Related (CMT2C). Identifiers: Orphanet 99937, MedGen C1853710, MONDO:0011633, OMIM 606071.

Allele frequency attached by ClinVar (database versions not stated): ExAC 0.00001.

Submission:

Labcorp Genetics (formerly Invitae), Labcorp
Classification: Uncertain significance for Charcot-Marie-Tooth disease axonal type 2C. Last evaluated: 2024-10-09. Review status: criteria provided, single submitter. Criteria: Invitae Variant Classification Sherloc (09022015). Collection method: clinical testing. Allele origin: germline.
Comment: This sequence change replaces serine, which is neutral and polar, with threonine, which is neutral and polar, at codon 667 of the TRPV4 protein (p.Ser667Thr). This variant is present in population databases (rs756867557, gnomAD 0.002%). This variant has not been reported in the literature in individuals affected with TRPV4-related conditions. Invitae Evidence Modeling of protein sequence and biophysical properties (such as structural, functional, and spatial information, amino acid conservation, physicochemical variation, residue mobility, and thermodynamic stability) indicates that this missense variant is not expected to disrupt TRPV4 protein function with a negative predictive value of 95%. In summary, the available evidence is currently insufficient to determine the role of this variant in disease. Therefore, it has been classified as a Variant of Uncertain Significance.

NM_021625.5(TRPV4):c.2000G>C (p.Ser667Thr)

Gene: TRPV4 (transient receptor potential cation channel subfamily V member 4; minus strand). Cytogenetic location: 12q24.11.
Variant type: single nucleotide variant.
Coding change: c.2000G>C on transcript NM_021625.5 (MANE Select); coding-DNA position 2000, G replaced by C.
Protein change: p.Ser667Thr; replaces serine 667 with threonine.
Molecular consequence: missense variant.
Genome position (GRCh38, 1-based): chr12:109,788,608, C>G on the plus strand (G>C on the coding strand, the complement: TRPV4 is on the minus strand). VCF-style: chr12-109788608-C-G. GRCh37 (hg19) VCF-style: chr12-110226413-C-G.
Other names: c.1859G>C, p.Ser620Thr (NM_001177428.2); c.1898G>C, p.Ser633Thr (NM_001177431.2); c.1679G>C, p.Ser560Thr (NM_001177433.2); c.1820G>C, p.Ser607Thr (NM_147204.3); short protein forms S560T, S633T, S607T, S620T, S667T.
Identifiers: ClinVar variation 2845465 (VCV002845465.3), dbSNP rs756867557, ClinGen allele CA6780036.